The following is an entry in ClinVar:

NM_022725.4(FANCF):c.277C>T (p.Leu93Phe)

Gene: FANCF (FA complementation group F; minus strand). Cytogenetic location: 11p14.3.
Variant type: single nucleotide variant.
Coding change: c.277C>T on transcript NM_022725.4 (MANE Select); coding-DNA position 277, C replaced by T.
Protein change: p.Leu93Phe; replaces leucine 93 with phenylalanine.
Molecular consequence: missense variant.
Genome position (GRCh38, 1-based): chr11:22,625,534, G>A on the plus strand (C>T on the coding strand, the complement: FANCF is on the minus strand). VCF-style: chr11-22625534-G-A. GRCh37 (hg19) VCF-style: chr11-22647080-G-A.
Other names: short protein forms L93F.
Identifiers: ClinVar variation 3671980 (VCV003671980.2).

ClinVar aggregate classification (germline): Uncertain significance (1 of 4 stars; one submission).

Conditions:
Fanconi anemia (FA). Also called: Fanconi's anemia. Identifiers: Orphanet 84, MedGen C0015625, MeSH D005199, MONDO:0019391.

Submission:

Labcorp Genetics (formerly Invitae), Labcorp
Classification: Uncertain significance for Fanconi anemia. Last evaluated: 2024-02-24. Review status: criteria provided, single submitter. Criteria: Invitae Variant Classification Sherloc (09022015). Collection method: clinical testing. Allele origin: germline.
Comment: This sequence change replaces leucine, which is neutral and non-polar, with phenylalanine, which is neutral and non-polar, at codon 93 of the FANCF protein (p.Leu93Phe). This variant is not present in population databases (gnomAD no frequency). This variant has not been reported in the literature in individuals affected with FANCF-related conditions. Advanced modeling of protein sequence and biophysical properties (such as structural, functional, and spatial information, amino acid conservation, physicochemical variation, residue mobility, and thermodynamic stability) performed at Invitae indicates that this missense variant is expected to disrupt FANCF protein function with a positive predictive value of 80%. In summary, the available evidence is currently insufficient to determine the role of this variant in disease. Therefore, it has been classified as a Variant of Uncertain Significance.